The following is an entry in ClinVar:

ClinVar aggregate classification (germline): Uncertain significance (1 of 4 stars; one submission).

Conditions:
Perlman syndrome (PRLMNS). Identifiers: Orphanet 2849, MedGen C0796113, MONDO:0009965, OMIM 267000.

Allele frequency attached by ClinVar (database versions not stated): gnomAD exomes below 0.00001 and 0.00001.
gnomAD v4.1: 2 of 1,614,030 alleles (0.00012%); highest among the groups gnomAD compares: Admixed American, 0.0033%; no homozygotes.

Submission:

Labcorp Genetics (formerly Invitae), Labcorp
Classification: Uncertain significance for Perlman syndrome. Last evaluated: 2023-06-28. Review status: criteria provided, single submitter. Criteria: Invitae Variant Classification Sherloc (09022015). Collection method: clinical testing. Allele origin: germline.
Comment: This sequence change replaces leucine, which is neutral and non-polar, with phenylalanine, which is neutral and non-polar, at codon 251 of the DIS3L2 protein (p.Leu251Phe). In summary, the available evidence is currently insufficient to determine the role of this variant in disease. Therefore, it has been classified as a Variant of Uncertain Significance. Advanced modeling of protein sequence and biophysical properties (such as structural, functional, and spatial information, amino acid conservation, physicochemical variation, residue mobility, and thermodynamic stability) performed at Invitae indicates that this missense variant is not expected to disrupt DIS3L2 protein function. ClinVar contains an entry for this variant (Variation ID: 1391454). This variant has not been reported in the literature in individuals affected with DIS3L2-related conditions. This variant is present in population databases (no rsID available, gnomAD 0.006%).

NM_152383.5(DIS3L2):c.751C>T (p.Leu251Phe)

Gene: DIS3L2 (DIS3 like 3'-5' exoribonuclease 2; plus strand). Cytogenetic location: 2q37.1.
Variant type: single nucleotide variant.
Coding change: c.751C>T on transcript NM_152383.5 (MANE Select); coding-DNA position 751, C replaced by T.
Protein change: p.Leu251Phe; replaces leucine 251 with phenylalanine.
Molecular consequence: missense variant. On other transcripts: non-coding transcript variant (1).
Genome position (GRCh38, 1-based): chr2:232,136,520, C>T. VCF-style: chr2-232136520-C-T. GRCh37 (hg19) VCF-style: chr2-233001230-C-T.
Other names: c.751C>T, p.Leu251Phe (NM_001257281.2); short protein forms L251F.
Identifiers: ClinVar variation 1391454 (VCV001391454.8), dbSNP rs1413229062, ClinGen allele CA351153510.